The following is an entry in ClinVar:

NM_000733.4(CD3E):c.202_228dup (p.Gly68_Gly76dup)

Gene: CD3E (CD3 epsilon subunit of T-cell receptor complex; plus strand). Cytogenetic location: 11q23.3.
Variant type: Duplication.
Coding change: c.202_228dup on transcript NM_000733.4 (MANE Select); coding-DNA positions 202 to 228, 27 bases duplicated (GGTGATGAGGATGATAAAAACATAGGC).
Protein change: p.Gly68_Gly76dup.
Molecular consequence: inframe insertion.
Genome position (GRCh38, 1-based): chr11:118,312,716-118,312,742, GGTGATGAGGATGATAAAAACATAGGC duplicated; duplicating any 27 consecutive bases within chr11:118,312,699-118,312,742 gives the same sequence; the c. name uses the placement nearest the transcript's 3' end. VCF-style (leftmost placement, unchanged base first): chr11-118312698-A-AATGATAAAAACATAGGCGGTGATGAGG. GRCh37 (hg19) VCF-style: chr11-118183413-A-AATGATAAAAACATAGGCGGTGATGAGG.
Identifiers: ClinVar variation 1499195 (VCV001499195.6), dbSNP rs758638097, ClinGen allele CA477082430.

ClinVar aggregate classification (germline): Uncertain significance (1 of 4 stars; one submission).

Conditions:
Immunodeficiency 18 (IMD18). Also called: CD3epsilon deficiency; CD3-EPSILON DEFICIENCY. Identifiers: MedGen C3810127, MONDO:0014278, OMIM 615615.

Submission:

Labcorp Genetics (formerly Invitae), Labcorp
Classification: Uncertain significance for Immunodeficiency 18. Last evaluated: 2021-11-22. Review status: criteria provided, single submitter. Criteria: Invitae Variant Classification Sherloc (09022015). Collection method: clinical testing. Allele origin: germline.
Comment: In summary, the available evidence is currently insufficient to determine the role of this variant in disease. Therefore, it has been classified as a Variant of Uncertain Significance. Algorithms developed to predict the effect of sequence changes on RNA splicing suggest that this variant may create or strengthen a splice site. This variant has not been reported in the literature in individuals affected with CD3E-related conditions. This variant is not present in population databases (gnomAD no frequency). This variant, c.202_228dup, results in the insertion of 9 amino acid(s) of the CD3E protein (p.Gly68_Gly76dup), but otherwise preserves the integrity of the reading frame.